The following is an entry in ClinVar:

NM_004385.5(VCAN):c.7292A>T (p.Glu2431Val)

Genes: VCAN (versican; plus strand), VCAN-AS1 (VCAN antisense RNA 1; minus strand). Cytogenetic location: 5q14.3.
Variant type: single nucleotide variant.
Coding change: c.7292A>T on transcript NM_004385.5 (MANE Select); coding-DNA position 7292, A replaced by T.
Protein change: p.Glu2431Val; replaces glutamic acid 2431 with valine.
Molecular consequence: missense variant. On other transcripts: intron variant (2).
Genome position (GRCh38, 1-based): chr5:83,540,295, A>T. VCF-style: chr5-83540295-A-T. GRCh37 (hg19) VCF-style: chr5-82836114-A-T.
Other names: c.4331A>T, p.Glu1444Val (NM_001164097.2); c.4004-5242A>T (NM_001164098.2); c.1043-5242A>T (NM_001126336.3); short protein forms E2431V, E1444V.
Identifiers: ClinVar variation 936535 (VCV000936535.9), dbSNP rs1746918024, ClinGen allele CA360314434.

ClinVar aggregate classification (germline): Uncertain significance (1 of 4 stars; one submission).

Submission:

Labcorp Genetics (formerly Invitae), Labcorp
Classification: Uncertain significance. Last evaluated: 2019-10-04. Review status: criteria provided, single submitter. Criteria: Invitae Variant Classification Sherloc (09022015). Collection method: clinical testing. Allele origin: germline.
Comment: This sequence change replaces glutamic acid with valine at codon 2431 of the VCAN protein (p.Glu2431Val). The glutamic acid residue is highly conserved and there is a moderate physicochemical difference between glutamic acid and valine. This variant is not present in population databases (ExAC no frequency). This variant has not been reported in the literature in individuals with VCAN-related conditions. Algorithms developed to predict the effect of missense changes on protein structure and function (SIFT, PolyPhen-2, Align-GVGD) all suggest that this variant is likely to be disruptive, but these predictions have not been confirmed by published functional studies and their clinical significance is uncertain. In summary, the available evidence is currently insufficient to determine the role of this variant in disease. Therefore, it has been classified as a Variant of Uncertain Significance.